The following is an entry in ClinVar:

ClinVar aggregate classification (germline): Conflicting classifications of pathogenicity. Review status: criteria provided, conflicting classifications (1 of 4 stars). 2 submissions from 2 submitters: Uncertain significance (1); Likely benign (1). Last evaluated 2025-11-10.

Allele frequency attached by ClinVar (database versions not stated): gnomAD 0.00001; TOPMed 0.00001; ExAC 0.00004; ESP Exome Variant Server 0.00015.
gnomAD v4.1: 24 of 1,613,914 alleles (0.0015%); highest among the groups gnomAD compares: East Asian, 0.0022%; no homozygotes.

Submissions (2):

Labcorp Genetics (formerly Invitae), Labcorp
Classification: Uncertain significance. Last evaluated: 2025-11-10. Review status: criteria provided, single submitter. Criteria: Invitae Variant Classification Sherloc (09022015). Collection method: clinical testing. Allele origin: germline.
Comment: This sequence change replaces arginine, which is basic and polar, with histidine, which is basic and polar, at codon 836 of the CCDC141 protein (p.Arg836His). This variant is present in population databases (rs141786551, gnomAD 0.006%). This variant has not been reported in the literature in individuals affected with CCDC141-related conditions. ClinVar contains an entry for this variant (Variation ID: 2515956). An algorithm developed to predict the effect of missense changes on protein structure and function outputs the following: PolyPhen-2: "Benign". The histidine amino acid residue is found in multiple mammalian species, which suggests that this missense change does not adversely affect protein function. In summary, the available evidence is currently insufficient to determine the role of this variant in disease. Therefore, it has been classified as a Variant of Uncertain Significance.

Ambry Genetics
Classification: Likely benign. Last evaluated: 2023-04-04. Review status: criteria provided, single submitter. Criteria: Ambry Variant Classification Scheme 2023. Collection method: clinical testing. Allele origin: germline.

NM_173648.4(CCDC141):c.2507G>A (p.Arg836His)

Gene: CCDC141 (coiled-coil domain containing 141; minus strand). Cytogenetic location: 2q31.2.
Variant type: single nucleotide variant.
Coding change: c.2507G>A on transcript NM_173648.4 (MANE Select); coding-DNA position 2507, G replaced by A.
Protein change: p.Arg836His; replaces arginine 836 with histidine.
Molecular consequence: missense variant.
Genome position (GRCh38, 1-based): chr2:178,868,093, C>T on the plus strand (G>A on the coding strand, the complement: CCDC141 is on the minus strand). VCF-style: chr2-178868093-C-T. GRCh37 (hg19) VCF-style: chr2-179732820-C-T.
Other names: short protein forms R836H.
Identifiers: ClinVar variation 2515956 (VCV002515956.3), dbSNP rs141786551, ClinGen allele CA2006992.